The following is an entry in ClinVar:

ClinVar aggregate classification (germline): Uncertain significance. Review status: criteria provided, multiple submitters, no conflicts (2 of 4 stars). 3 submissions from 3 submitters: Uncertain significance (3). Last evaluated 2023-07-11.

Conditions:
Hereditary diffuse gastric adenocarcinoma (HDGC). Also called: DIFFUSE GASTRIC AND LOBULAR BREAST CANCER SYNDROME. Identifiers: Orphanet 26106, MedGen C1708349, MONDO:0007648, OMIM 137215.
Familial cancer of breast. Also called: hereditary breast carcinoma; BREAST CANCER, FAMILIAL; Hereditary breast cancer. Identifiers: Orphanet 227535, MedGen C0346153, MONDO:0016419, OMIM 114480. Disease mechanism: loss of function.

Submissions (3):

Baylor Genetics
Classification: Uncertain significance for Familial cancer of breast. Last evaluated: 2023-07-11. Review status: criteria provided, single submitter. Criteria: ACMG Guidelines, 2015. Collection method: clinical testing. Allele origin: unknown.

Labcorp Genetics (formerly Invitae), Labcorp
Classification: Uncertain significance for Hereditary diffuse gastric adenocarcinoma. Last evaluated: 2023-01-31. Review status: criteria provided, single submitter. Criteria: Invitae Variant Classification Sherloc (09022015). Collection method: clinical testing. Allele origin: germline.
Comment: Algorithms developed to predict the effect of missense changes on protein structure and function (SIFT, PolyPhen-2, Align-GVGD) all suggest that this variant is likely to be disruptive. This sequence change replaces alanine, which is neutral and non-polar, with valine, which is neutral and non-polar, at codon 567 of the CDH1 protein (p.Ala567Val). This variant is not present in population databases (gnomAD no frequency). This variant has not been reported in the literature in individuals affected with CDH1-related conditions. ClinVar contains an entry for this variant (Variation ID: 279746). In summary, the available evidence is currently insufficient to determine the role of this variant in disease. Therefore, it has been classified as a Variant of Uncertain Significance.

GeneDx
Classification: Uncertain significance. Last evaluated: 2015-10-30. Review status: criteria provided, single submitter. Criteria: GeneDx Variant Classification (06012015). Collection method: clinical testing. Allele origin: germline. Affected: yes.
Comment: This variant is denoted CDH1 c.1700C>T at the cDNA level, p.Ala567Val (A567V) at the protein level, and results in the change of an Alanine to a Valine (GCT>GTT). This variant has not, to our knowledge, been published in the literature as pathogenic or benign. CDH1 Ala567Val was not observed in approximately 6,500 individuals of European and African American ancestry in the NHLBI Exome Sequencing Project, indicating it is not a common benign variant in these populations. Since Alanine and Valine share similar properties, this is considered a conservative amino acid substitution. CDH1 Ala567Val occurs at a position that is conserved across species and is located in the 4th Cadherin domain (UniProt). In silico analyses predict that this variant is probably damaging to protein structure and function. Based on currently available information, it is unclear whether CDH1 Ala567Val is a pathogenic or benign variant.

NM_004360.5(CDH1):c.1700C>T (p.Ala567Val)

Gene: CDH1 (cadherin 1; plus strand). Cytogenetic location: 16q22.1.
Variant type: single nucleotide variant.
Coding change: c.1700C>T on transcript NM_004360.5 (MANE Select); coding-DNA position 1700, C replaced by T.
Protein change: p.Ala567Val; replaces alanine 567 with valine.
Molecular consequence: missense variant. On other transcripts: intron variant (1).
Genome position (GRCh38, 1-based): chr16:68,819,414, C>T. VCF-style: chr16-68819414-C-T. GRCh37 (hg19) VCF-style: chr16-68853317-C-T.
Other names: c.1700C>T (LRG_301t1); c.1517C>T, p.Ala506Val (NM_001317184.2); c.152C>T, p.Ala51Val (NM_001317185.2); c.-254-2587C>T (NM_001317186.2); short protein forms A567V, A51V, A506V.
Identifiers: ClinVar variation 279746 (VCV000279746.11), dbSNP rs886041160, ClinGen allele CA10603274.